The following is an entry in ClinVar:

ClinVar aggregate classification (germline): Likely pathogenic. Review status: criteria provided, multiple submitters, no conflicts (2 of 4 stars). 2 submissions from 2 submitters: Likely pathogenic (2). Last evaluated 2021-12-15.

Conditions:
Joubert syndrome 9 (JBTS9). Identifiers: Orphanet 2318, MedGen C2676788, MONDO:0012849, OMIM 612285.
COACH syndrome 2. Identifiers: MedGen C5436837, MONDO:0030859, OMIM 619111.
Meckel syndrome, type 6. Identifiers: Orphanet 564, MedGen C2676790, MONDO:0012848, OMIM 612284.
Retinitis pigmentosa 93. Identifiers: MedGen C5676970, MONDO:0030797, OMIM 619845.

Submissions (2):

Revvity Omics, Revvity
Classification: Likely pathogenic. Last evaluated: 2021-12-15. Review status: criteria provided, single submitter. Criteria: ACMG Guidelines, 2015. Collection method: clinical testing. Allele origin: germline.

Juno Genomics, Hangzhou Juno Genomics, Inc
Classification: Likely pathogenic for COACH syndrome 2; Joubert syndrome 9; Meckel syndrome, type 6; Retinitis pigmentosa 93. Review status: criteria provided, single submitter. Criteria: ACMG Guidelines, 2015. Collection method: clinical testing. Allele origin: germline.
Comment: Absent from controls (or at extremely low frequency if recessive) in Genome Aggregation Database.;Null variant in a gene where loss of function (LOF) is a known mechanism of disease.

NM_001378615.1(CC2D2A):c.2302C>T (p.Gln768Ter)

Genes: FBXL5 (F-box and leucine rich repeat protein 5; minus strand), CC2D2A (coiled-coil and C2 domain containing 2A; plus strand). Cytogenetic location: 4p15.32.
Variant type: single nucleotide variant.
Coding change: c.2302C>T on transcript NM_001378615.1 (MANE Select); coding-DNA position 2302, C replaced by T.
Protein change: p.Gln768Ter; replaces glutamine 768 with a stop codon.
Molecular consequence: nonsense.
Genome position (GRCh38, 1-based): chr4:15,550,944, C>T. VCF-style: chr4-15550944-C-T. GRCh37 (hg19) VCF-style: chr4-15552567-C-T.
Other names: c.2302C>T, p.Gln768Ter (NM_001080522.2); c.2155C>T, p.Gln719Ter (NM_001378617.1); short protein forms Q719*, Q768*.
Identifiers: ClinVar variation 2438876 (VCV002438876.5), dbSNP rs2475019623, ClinGen allele CA356417386.
Genomic context (GRCh38, chr4:15,550,944, plus strand): 5'-CCTGAGACTACTGTTGTCACTGGAAGGGCTCCTACTGAAGAAGTGGAGTTTAGCAGTAAT[C>T]AGCATGTGACACTGGACCACGAGGGAGTTGGAAGTGGTATGGAAAGCTAATATCTTCAAT-3'